The following is an entry in ClinVar:

NM_004064.5(CDKN1B):c.71C>T (p.Pro24Leu)

Gene: CDKN1B (cyclin dependent kinase inhibitor 1B; plus strand). Cytogenetic location: 12p13.1.
Variant type: single nucleotide variant.
Coding change: c.71C>T on transcript NM_004064.5 (MANE Select); coding-DNA position 71, C replaced by T.
Protein change: p.Pro24Leu; replaces proline 24 with leucine.
Molecular consequence: missense variant.
Genome position (GRCh38, 1-based): chr12:12,717,910, C>T. VCF-style: chr12-12717910-C-T. GRCh37 (hg19) VCF-style: chr12-12870844-C-T.
Other names: short protein forms P24L.
Identifiers: ClinVar variation 1757650 (VCV001757650.3), dbSNP rs2497403916, ClinGen allele CA383968326.

ClinVar aggregate classification (germline): Uncertain significance. Review status: criteria provided, multiple submitters, no conflicts (2 of 4 stars). 2 submissions from 2 submitters: Uncertain significance (2). Last evaluated 2025-12-22.

Conditions:
Hereditary cancer-predisposing syndrome. Also called: Neoplastic Syndromes, Hereditary; Tumor predisposition; Hereditary neoplastic syndrome; Hereditary Cancer Syndrome. Identifiers: Orphanet 140162, MedGen C0027672, MeSH D009386, MONDO:0015356.
Multiple endocrine neoplasia type 4. Also called: MULTIPLE ENDOCRINE NEOPLASIA, TYPE IV. Identifiers: Orphanet 276152, MedGen C1970712, MONDO:0012552, OMIM 610755.

Submissions (2):

Labcorp Genetics (formerly Invitae), Labcorp
Classification: Uncertain significance for Multiple endocrine neoplasia type 4. Last evaluated: 2025-12-22. Review status: criteria provided, single submitter. Criteria: Invitae Variant Classification Sherloc (09022015). Collection method: clinical testing. Allele origin: germline.
Comment: This sequence change replaces proline, which is neutral and non-polar, with leucine, which is neutral and non-polar, at codon 24 of the CDKN1B protein (p.Pro24Leu). This variant is not present in population databases (gnomAD no frequency). This variant has not been reported in the literature in individuals affected with CDKN1B-related conditions. ClinVar contains an entry for this variant (Variation ID: 1757650). An algorithm developed to predict the effect of missense changes on protein structure and function (PolyPhen-2) suggests that this variant is likely to be disruptive. In summary, the available evidence is currently insufficient to determine the role of this variant in disease. Therefore, it has been classified as a Variant of Uncertain Significance.

Ambry Genetics
Classification: Uncertain significance for Hereditary cancer-predisposing syndrome. Last evaluated: 2022-10-19. Review status: criteria provided, single submitter. Criteria: Ambry Variant Classification Scheme 2023. Collection method: clinical testing. Allele origin: germline.
Comment: The p.P24L variant (also known as c.71C>T), located in coding exon 1 of the CDKN1B gene, results from a C to T substitution at nucleotide position 71. The proline at codon 24 is replaced by leucine, an amino acid with similar properties. This amino acid position is conserved. In addition, the in silico prediction for this alteration is inconclusive. Since supporting evidence is limited at this time, the clinical significance of this alteration remains unclear.